The following is an entry in ClinVar:

NM_014363.6(SACS):c.10671dup (p.Ile3558fs)

Gene: SACS (sacsin molecular chaperone; minus strand). Cytogenetic location: 13q12.12.
Variant type: Duplication.
Coding change: c.10671dup on transcript NM_014363.6 (MANE Select); coding-DNA position 10671, one base duplicated (T; older notation c.10671dupT).
Protein change: p.Ile3558fs; shifts the reading frame from isoleucine 3558.
Molecular consequence: frameshift variant.
Genome position (GRCh38, 1-based): chr13:23,333,205, A duplicated on the plus strand (T on the coding strand, the reverse complement: SACS is on the minus strand); the first of 3 consecutive A bases (chr13:23,333,205-23,333,207); duplicating any one gives the same sequence. VCF-style (leftmost placement, unchanged base first): chr13-23333204-T-TA. GRCh37 (hg19) VCF-style: chr13-23907343-T-TA.
Other names: c.10230dup, p.Ile3411fs (NM_001278055.2); short protein forms I3411fs, I3558fs.
Identifiers: ClinVar variation 1076599 (VCV001076599.9), dbSNP rs2137573025, ClinGen allele CA2499221977.

ClinVar aggregate classification (germline): Pathogenic (1 of 4 stars; one submission).

Conditions:
Spastic paraplegia. Identifiers: MedGen C0037772, HP:0001258.

Submission:

Labcorp Genetics (formerly Invitae), Labcorp
Classification: Pathogenic for Spastic paraplegia. Last evaluated: 2021-07-13. Review status: criteria provided, single submitter. Criteria: Invitae Variant Classification Sherloc (09022015). Collection method: clinical testing. Allele origin: germline.
Comment: This sequence change results in a premature translational stop signal in the SACS gene (p.Ile3558Tyrfs*3). While this is not anticipated to result in nonsense mediated decay, it is expected to disrupt the last 1022 amino acids of the SACS protein. This variant is not present in population databases (ExAC no frequency). For these reasons, this variant has been classified as Pathogenic. This variant disrupts the C-terminus of the SACS protein. Other variant(s) that disrupt this region (p.Tyr4538*) have been determined to be pathogenic (Invitae). This suggests that variants that disrupt this region of the protein are likely to be causative of disease. This variant has not been reported in the literature in individuals with SACS-related conditions.